The following is an entry in ClinVar:

ClinVar aggregate classification (germline): Likely benign. Review status: criteria provided, multiple submitters, no conflicts (2 of 4 stars). 3 submissions from 3 submitters: Likely benign (2). 1 of the submissions does not count toward it. Last evaluated 2026-03-01.

Conditions:
SETD1A-related disorder. Also called: SETD1A-related condition.
Inborn genetic diseases. Identifiers: MedGen C0950123, MeSH D030342.

Allele frequency attached by ClinVar (database versions not stated): 1000 Genomes Project 0.00020; 1000 Genomes Project 30x 0.00031; TOPMed 0.00032; gnomAD exomes 0.00038; gnomAD 0.00039; ExAC 0.00045; ESP Exome Variant Server 0.00054.
gnomAD v4.1: 606 of 1,589,146 alleles (0.038%); highest among the groups gnomAD compares: Non-Finnish European, 0.04%; 2 homozygotes.

Submissions (3):

CeGaT Center for Human Genetics Tuebingen
Classification: Likely benign. Last evaluated: 2026-03-01. Review status: criteria provided, single submitter. Criteria: CeGaT Center For Human Genetics Tuebingen Variant Classification Criteria Version 2. Collection method: clinical testing. Allele origin: germline. Affected: yes. Observed: 2 variant alleles.
Comment: SETD1A: BP4, BS2

Ambry Genetics
Classification: Likely benign for Inborn genetic diseases. Last evaluated: 2025-02-18. Review status: criteria provided, single submitter. Criteria: Ambry Variant Classification Scheme 2023. Collection method: clinical testing. Allele origin: germline.

PreventionGenetics, part of Exact Sciences
Classification: Likely benign for SETD1A-related condition. Last evaluated: 2019-04-09. Review status: no assertion criteria provided. Collection method: clinical testing. Allele origin: germline. Not counted in ClinVar's aggregate classification.
Comment: This variant is classified as likely benign based on ACMG/AMP sequence variant interpretation guidelines (Richards et al. 2015 PMID: 25741868, with internal and published modifications).

NM_014712.3(SETD1A):c.3038C>T (p.Ser1013Leu)

Gene: SETD1A (SET domain containing 1A, histone lysine methyltransferase; plus strand). Cytogenetic location: 16p11.2.
Variant type: single nucleotide variant.
Coding change: c.3038C>T on transcript NM_014712.3 (MANE Select); coding-DNA position 3038, C replaced by T.
Protein change: p.Ser1013Leu; replaces serine 1013 with leucine.
Molecular consequence: missense variant.
Genome position (GRCh38, 1-based): chr16:30,971,399, C>T. VCF-style: chr16-30971399-C-T. GRCh37 (hg19) VCF-style: chr16-30982720-C-T.
Other names: c.3038C>T (NM_014712.1, NM_014712.2); short protein forms S1013L.
Identifiers: ClinVar variation 2646443 (VCV002646443.26), dbSNP rs142655588, ClinGen allele CA8017157.